The following is an entry in ClinVar:

NC_012920.1(MT-CYB):m.15078A>G

Gene: MT-CYB (mitochondrially encoded cytochrome b; plus strand).
Variant type: single nucleotide variant.
Genome position: chrM-15078-A-G.
Identifiers: ClinVar variation 693821 (VCV000693821.1), dbSNP rs1603225065, ClinGen allele CA913172884.

ClinVar aggregate classification (germline): Uncertain significance (1 of 4 stars; one submission).

Conditions:
Leigh syndrome (NULS). Also called: Leigh's necrotizing encephalopathy; Leigh's disease; Leigh's syndrome; LEIGH SYNDROME, NUCLEAR; Leigh Syndrome (mtDNA deletion); Leigh Disease. Identifiers: Orphanet 506, MedGen C2931891, MONDO:0009723, OMIM 256000.

Submission:

Wong Mito Lab, Molecular and Human Genetics, Baylor College of Medicine
Classification: Uncertain significance for Leigh syndrome. Last evaluated: 2019-10-17. Review status: criteria provided, single submitter. Criteria: Modified ACMG Guidelines (Unpublished). Collection method: clinical testing. Allele origin: germline.
Comment: The NC_012920.1:m.15078A>G (YP_003024038.1:p.Glu111Gly) variant in MTCYB gene is interpretated to be a Uncertain Significance variant based on the modified ACMG guidelines (unpublished). This variant meets the following evidence codes: PP7